The following is an entry in ClinVar:

ClinVar aggregate classification (germline): Uncertain significance (1 of 4 stars; one submission).

Conditions:
Deficiency of alpha-mannosidase (MANSA). Also called: Alpha-Mannosidosis; LYSOSOMAL ALPHA-D-MANNOSIDASE DEFICIENCY; Mannosidosis, alpha-, types I and II. Identifiers: Orphanet 61, MedGen C0024748, MONDO:0009561, OMIM 248500.

Submission:

Labcorp Genetics (formerly Invitae), Labcorp
Classification: Uncertain significance for Deficiency of alpha-mannosidase. Last evaluated: 2025-04-13. Review status: criteria provided, single submitter. Criteria: Invitae Variant Classification Sherloc (09022015). Collection method: clinical testing. Allele origin: germline.
Comment: This sequence change replaces arginine, which is basic and polar, with glycine, which is neutral and non-polar, at codon 760 of the MAN2B1 protein (p.Arg760Gly). This variant is not present in population databases (gnomAD no frequency). This variant has not been reported in the literature in individuals affected with MAN2B1-related conditions. ClinVar contains an entry for this variant (Variation ID: 1416804). Invitae Evidence Modeling of protein sequence and biophysical properties (such as structural, functional, and spatial information, amino acid conservation, physicochemical variation, residue mobility, and thermodynamic stability) has been performed for this missense variant. However, the output from this modeling did not meet the statistical confidence thresholds required to predict the impact of this variant on MAN2B1 protein function. In summary, the available evidence is currently insufficient to determine the role of this variant in disease. Therefore, it has been classified as a Variant of Uncertain Significance.

NM_000528.4(MAN2B1):c.2278C>G (p.Arg760Gly)

Gene: MAN2B1 (mannosidase alpha class 2B member 1; minus strand). Cytogenetic location: 19p13.13.
Variant type: single nucleotide variant.
Coding change: c.2278C>G on transcript NM_000528.4 (MANE Select); coding-DNA position 2278, C replaced by G.
Protein change: p.Arg760Gly; replaces arginine 760 with glycine.
Molecular consequence: missense variant.
Genome position (GRCh38, 1-based): chr19:12,649,418, G>C on the plus strand (C>G on the coding strand, the complement: MAN2B1 is on the minus strand). VCF-style: chr19-12649418-G-C. GRCh37 (hg19) VCF-style: chr19-12760232-G-C.
Other names: c.2275C>G, p.Arg759Gly (NM_001173498.2); short protein forms R759G, R760G.
Identifiers: ClinVar variation 1416804 (VCV001416804.6), dbSNP rs121434331, ClinGen allele CA404241777.